The following is an entry in ClinVar:

ClinVar aggregate classification (germline): Uncertain significance (1 of 4 stars; one submission).

gnomAD v4.1: 3 of 1,608,074 alleles (0.00019%); highest among the groups gnomAD compares: Non-Finnish European, 0.00026%; no homozygotes.

Submission:

GeneDx
Classification: Uncertain significance. Last evaluated: 2025-08-04. Review status: criteria provided, single submitter. Criteria: GeneDx Variant Classification Process June 2021. Collection method: clinical testing. Allele origin: germline. Affected: yes.
Comment: Not observed at significant frequency in large population cohorts (gnomAD); In silico analysis suggests that this missense variant does not alter protein structure/function; Has not been previously published as pathogenic or benign to our knowledge

NM_001375380.1(EBF3):c.541G>A (p.Val181Ile)

Gene: EBF3 (EBF transcription factor 3; minus strand). Cytogenetic location: 10q26.3.
Variant type: single nucleotide variant.
Coding change: c.541G>A on transcript NM_001375380.1 (MANE Select); coding-DNA position 541, G replaced by A.
Protein change: p.Val181Ile; replaces valine 181 with isoleucine.
Molecular consequence: missense variant.
Genome position (GRCh38, 1-based): chr10:129,957,271, C>T on the plus strand (G>A on the coding strand, the complement: EBF3 is on the minus strand). VCF-style: chr10-129957271-C-T. GRCh37 (hg19) VCF-style: chr10-131755535-C-T.
Other names: c.541G>A, p.Val181Ile (NM_001005463.3, NM_001375379.1, NM_001375389.1 and 3 more transcripts); short protein forms V181I.
Identifiers: ClinVar variation 4755863 (VCV004755863.1).